The following is an entry in ClinVar:

NM_032043.3(BRIP1):c.3344C>T (p.Ser1115Phe)

Gene: BRIP1 (BRCA1 interacting DNA helicase 1; minus strand). Cytogenetic location: 17q23.2.
Variant type: single nucleotide variant.
Coding change: c.3344C>T on transcript NM_032043.3 (MANE Select); coding-DNA position 3344, C replaced by T.
Protein change: p.Ser1115Phe; replaces serine 1115 with phenylalanine.
Molecular consequence: missense variant.
Genome position (GRCh38, 1-based): chr17:61,683,702, G>A on the plus strand (C>T on the coding strand, the complement: BRIP1 is on the minus strand). VCF-style: chr17-61683702-G-A. GRCh37 (hg19) VCF-style: chr17-59761063-G-A.
Other names: short protein forms S1115F.
Identifiers: ClinVar variation 461147 (VCV000461147.9), dbSNP rs1419933310, ClinGen allele CA400478934.

ClinVar aggregate classification (germline): Uncertain significance (1 of 4 stars; one submission).

Conditions:
Fanconi anemia complementation group J. Also called: BRIP1-Related Fanconi Anemia. Identifiers: Orphanet 84, MedGen C1836860, MONDO:0012187, OMIM 609054.
Familial cancer of breast. Also called: BREAST CANCER, FAMILIAL; hereditary breast carcinoma; Hereditary breast cancer. Identifiers: Orphanet 227535, MedGen C0346153, MONDO:0016419, OMIM 114480. Disease mechanism: loss of function.

Allele frequency attached by ClinVar (database versions not stated): gnomAD exomes below 0.00001.
gnomAD v4.1: 2 of 1,613,870 alleles (0.00012%); no homozygotes.

Submission:

Labcorp Genetics (formerly Invitae), Labcorp
Classification: Uncertain significance for Familial cancer of breast; Fanconi anemia complementation group J. Last evaluated: 2025-06-25. Review status: criteria provided, single submitter. Criteria: Invitae Variant Classification Sherloc (09022015). Collection method: clinical testing. Allele origin: germline.
Comment: This sequence change replaces serine, which is neutral and polar, with phenylalanine, which is neutral and non-polar, at codon 1115 of the BRIP1 protein (p.Ser1115Phe). This variant is present in population databases (no rsID available, gnomAD 0.004%). This variant has not been reported in the literature in individuals affected with BRIP1-related conditions. ClinVar contains an entry for this variant (Variation ID: 461147). Invitae Evidence Modeling of protein sequence and biophysical properties (such as structural, functional, and spatial information, amino acid conservation, physicochemical variation, residue mobility, and thermodynamic stability) has been performed for this missense variant. However, the output from this modeling did not meet the statistical confidence thresholds required to predict the impact of this variant on BRIP1 protein function. In summary, the available evidence is currently insufficient to determine the role of this variant in disease. Therefore, it has been classified as a Variant of Uncertain Significance.